The following is an entry in ClinVar:

NM_182493.3(MYLK3):c.617C>A (p.Pro206His)

Gene: MYLK3 (myosin light chain kinase 3; minus strand). Cytogenetic location: 16q11.2.
Variant type: single nucleotide variant.
Coding change: c.617C>A on transcript NM_182493.3 (MANE Select); coding-DNA position 617, C replaced by A.
Protein change: p.Pro206His; replaces proline 206 with histidine.
Molecular consequence: missense variant. On other transcripts: intron variant (1).
Genome position (GRCh38, 1-based): chr16:46,738,095, G>T on the plus strand (C>A on the coding strand, the complement: MYLK3 is on the minus strand). VCF-style: chr16-46738095-G-T. GRCh37 (hg19) VCF-style: chr16-46772007-G-T.
Other names: c.-23+1962C>A (NM_001308301.1); short protein forms P206H.
Identifiers: ClinVar variation 4803700 (VCV004803700.1).

ClinVar aggregate classification (germline): Uncertain significance (1 of 4 stars; one submission).

gnomAD v4.1: 4 of 1,590,502 alleles (0.00025%); highest among the groups gnomAD compares: East Asian, 0.0022%; no homozygotes.

Submission:

Labcorp Genetics (formerly Invitae), Labcorp
Classification: Uncertain significance. Last evaluated: 2025-03-31. Review status: criteria provided, single submitter. Criteria: Invitae Variant Classification Sherloc (09022015). Collection method: clinical testing. Allele origin: germline.
Comment: This sequence change replaces proline, which is neutral and non-polar, with histidine, which is basic and polar, at codon 206 of the MYLK3 protein (p.Pro206His). The frequency data for this variant in the population databases is considered unreliable, as metrics indicate poor data quality at this position in the gnomAD database. This variant has not been reported in the literature in individuals affected with MYLK3-related conditions. An algorithm developed to predict the effect of missense changes on protein structure and function (PolyPhen-2) suggests that this variant is likely to be disruptive. In summary, the available evidence is currently insufficient to determine the role of this variant in disease. Therefore, it has been classified as a Variant of Uncertain Significance.